The following is an entry in ClinVar:

NM_000069.3(CACNA1S):c.1637G>A (p.Ser546Asn)

Gene: CACNA1S (calcium voltage-gated channel subunit alpha1 S; minus strand). Cytogenetic location: 1q32.1.
Variant type: single nucleotide variant.
Coding change: c.1637G>A on transcript NM_000069.3 (MANE Select); coding-DNA position 1637, G replaced by A.
Protein change: p.Ser546Asn; replaces serine 546 with asparagine.
Molecular consequence: missense variant.
Genome position (GRCh38, 1-based): chr1:201,077,110, C>T on the plus strand (G>A on the coding strand, the complement: CACNA1S is on the minus strand). VCF-style: chr1-201077110-C-T. GRCh37 (hg19) VCF-style: chr1-201046238-C-T.
Other names: short protein forms S546N.
Identifiers: ClinVar variation 875757 (VCV000875757.22), dbSNP rs373525085, ClinGen allele CA078494.

ClinVar aggregate classification (germline): Conflicting classifications of pathogenicity. Review status: criteria provided, conflicting classifications (1 of 4 stars). 10 submissions from 7 submitters: Uncertain significance (4); Likely benign (6). Last evaluated 2025-09-28.

Conditions:
Congenital myopathy 18. Also called: Myopathy, congenital, due to dihydropyridine receptor defect; DIHYDROPYRIDINE RECEPTOR CONGENITAL MYOPATHY; DHPR CONGENITAL MYOPATHY. Identifiers: MedGen C5830283, MONDO:0859514, OMIM 620246.
Inborn genetic diseases. Identifiers: MedGen C0950123, MeSH D030342.
Malignant hyperthermia, susceptibility to, 5 (MHS5). Also called: CACNA1S-Related Malignant Hyperthermia Susceptibility. Identifiers: Orphanet 423, MedGen C1866077, MONDO:0011163, OMIM 601887.
Thyrotoxic periodic paralysis, susceptibility to, 1 (TTPP1). Identifiers: Orphanet 79102, MedGen C2749982, MONDO:0008570, OMIM 188580.
Hypokalemic periodic paralysis, type 1. Also called: Hypokalemic Periodic Paralysis Type 1 (AD); HypoPP. Identifiers: Orphanet 681, MedGen C3714580, MONDO:0042979, OMIM 170400.

Allele frequency attached by ClinVar (database versions not stated): gnomAD 0.00002; ExAC 0.00003; TOPMed 0.00003; gnomAD exomes 0.00004; ESP Exome Variant Server 0.00008.
gnomAD v4.1: 54 of 1,613,974 alleles (0.0033%); highest among the groups gnomAD compares: Middle Eastern, 0.033%; no homozygotes.

Submissions (10):

Labcorp Genetics (formerly Invitae), Labcorp
Classification: Likely benign for Hypokalemic periodic paralysis, type 1; Malignant hyperthermia, susceptibility to, 5. Last evaluated: 2025-09-28. Review status: criteria provided, single submitter. Criteria: Invitae Variant Classification Sherloc (09022015). Collection method: clinical testing. Allele origin: germline.

Ambry Genetics
Classification: Uncertain significance for Inborn genetic diseases. Last evaluated: 2025-08-10. Review status: criteria provided, single submitter. Criteria: Ambry Variant Classification Scheme 2023. Collection method: clinical testing. Allele origin: germline.

CeGaT Center for Human Genetics Tuebingen
Classification: Uncertain significance. Last evaluated: 2025-07-01. Review status: criteria provided, single submitter. Criteria: CeGaT Center For Human Genetics Tuebingen Variant Classification Criteria Version 2. Collection method: clinical testing. Allele origin: germline. Affected: yes. Observed: 1 variant allele.
Comment: CACNA1S: PP3

Color Diagnostics, LLC DBA Color Health
Classification: Uncertain significance for Malignant hyperthermia, susceptibility to, 5. Last evaluated: 2024-02-22. Review status: criteria provided, single submitter. Criteria: ACMG Guidelines, 2015. Collection method: clinical testing. Allele origin: germline.
Comment: This missense variant replaces serine with asparagine at codon 546 of the CACNA1S protein. Computational prediction suggests that this variant may not impact protein structure and function. To our knowledge, functional studies have not been reported for this variant. This variant has not been reported in individuals affected with CACNA1S-related disorders in the literature. This variant has been identified in 10/282644 chromosomes in the general population by the Genome Aggregation Database (gnomAD). The available evidence is insufficient to determine the role of this variant in disease conclusively. Therefore, this variant is classified as a Variant of Uncertain Significance.

Revvity Omics, Revvity
Classification: Uncertain significance. Last evaluated: 2023-06-26. Review status: criteria provided, single submitter. Criteria: ACMG Guidelines, 2015. Collection method: clinical testing. Allele origin: germline.

Genome-Nilou Lab
Classification: Likely benign for Malignant hyperthermia, susceptibility to, 5. Last evaluated: 2023-04-11. Review status: criteria provided, single submitter. Criteria: ACMG Guidelines, 2015. Collection method: clinical testing. Allele origin: germline. Affected: no.

Genome-Nilou Lab
Classification: Likely benign for Thyrotoxic periodic paralysis, susceptibility to, 1. Last evaluated: 2023-04-11. Review status: criteria provided, single submitter. Criteria: ACMG Guidelines, 2015. Collection method: clinical testing. Allele origin: germline. Affected: no.

Genome-Nilou Lab
Classification: Likely benign for Congenital myopathy 18. Last evaluated: 2023-04-11. Review status: criteria provided, single submitter. Criteria: ACMG Guidelines, 2015. Collection method: clinical testing. Allele origin: germline. Affected: no.

Genome-Nilou Lab
Classification: Likely benign for Hypokalemic periodic paralysis, type 1. Last evaluated: 2023-04-11. Review status: criteria provided, single submitter. Criteria: ACMG Guidelines, 2015. Collection method: clinical testing. Allele origin: germline. Affected: no.

Illumina Laboratory Services, Illumina
Classification: Likely benign for Hypokalemic periodic paralysis, type 1. Last evaluated: 2018-01-13. Review status: criteria provided, single submitter. Criteria: ICSL Variant Classification Criteria 13 December 2019. Collection method: clinical testing. Allele origin: germline.
Comment: This variant was observed in the ICSL laboratory as part of a predisposition screen in an ostensibly healthy population. It had not been previously curated by ICSL or reported in the Human Gene Mutation Database (HGMD: prior to June 1st, 2018), and was therefore a candidate for classification through an automated scoring system. Utilizing variant allele frequency, disease prevalence and penetrance estimates, and inheritance mode, an automated score was calculated to assess if this variant is too frequent to cause the disease. Based on the score and internal cut-off values, a variant classified as likely benign is not then subjected to further curation. The score for this variant resulted in a classification of likely benign for this disease.